The following is an entry in ClinVar:

NM_032444.4(SLX4):c.5434G>A (p.Ala1812Thr)

Gene: SLX4 (SLX4 structure-specific endonuclease subunit; minus strand). Cytogenetic location: 16p13.3.
Variant type: single nucleotide variant.
Coding change: c.5434G>A on transcript NM_032444.4 (MANE Select); coding-DNA position 5434, G replaced by A.
Protein change: p.Ala1812Thr; replaces alanine 1812 with threonine.
Molecular consequence: missense variant.
Genome position (GRCh38, 1-based): chr16:3,582,413, C>T on the plus strand (G>A on the coding strand, the complement: SLX4 is on the minus strand). VCF-style: chr16-3582413-C-T. GRCh37 (hg19) VCF-style: chr16-3632414-C-T.
Other names: short protein forms A1812T.
Identifiers: ClinVar variation 2832338 (VCV002832338.3), dbSNP rs867187228, ClinGen allele CA276951784.

ClinVar aggregate classification (germline): Uncertain significance (1 of 4 stars; one submission).

Conditions:
Fanconi anemia (FA). Also called: Fanconi's anemia. Identifiers: Orphanet 84, MedGen C0015625, MeSH D005199, MONDO:0019391.

Allele frequency attached by ClinVar (database versions not stated): gnomAD exomes below 0.00001; gnomAD 0.00001; TOPMed 0.00001.
gnomAD v4.1: 6 of 1,613,710 alleles (0.00037%); highest among the groups gnomAD compares: South Asian, 0.0011%; no homozygotes.

Submission:

Labcorp Genetics (formerly Invitae), Labcorp
Classification: Uncertain significance for Fanconi anemia. Last evaluated: 2023-04-09. Review status: criteria provided, single submitter. Criteria: Invitae Variant Classification Sherloc (09022015). Collection method: clinical testing. Allele origin: germline.
Comment: In summary, the available evidence is currently insufficient to determine the role of this variant in disease. Therefore, it has been classified as a Variant of Uncertain Significance. Algorithms developed to predict the effect of missense changes on protein structure and function output the following: SIFT: "Not Available"; PolyPhen-2: "Benign"; Align-GVGD: "Not Available". The threonine amino acid residue is found in multiple mammalian species, which suggests that this missense change does not adversely affect protein function. This variant has not been reported in the literature in individuals affected with SLX4-related conditions. This variant is not present in population databases (gnomAD no frequency). This sequence change replaces alanine, which is neutral and non-polar, with threonine, which is neutral and polar, at codon 1812 of the SLX4 protein (p.Ala1812Thr).